The following is an entry in ClinVar:

NM_000288.4(PEX7):c.911A>T (p.Asp304Val)

Gene: PEX7 (peroxisomal biogenesis factor 7; plus strand). Cytogenetic location: 6q23.3.
Variant type: single nucleotide variant.
Coding change: c.911A>T on transcript NM_000288.4 (MANE Select); coding-DNA position 911, A replaced by T.
Protein change: p.Asp304Val; replaces aspartic acid 304 with valine.
Molecular consequence: missense variant.
Genome position (GRCh38, 1-based): chr6:136,913,465, A>T. VCF-style: chr6-136913465-A-T. GRCh37 (hg19) VCF-style: chr6-137234603-A-T.
Other names: c.911A>T (NM_000288.3); c.797A>T, p.Asp266Val (NM_001410945.1); short protein forms D266V, D304V.
Identifiers: ClinVar variation 2197739 (VCV002197739.4), dbSNP rs751429361, ClinGen allele CA365767216.

ClinVar aggregate classification (germline): Conflicting classifications of pathogenicity. Review status: criteria provided, conflicting classifications (1 of 4 stars). 4 submissions from 4 submitters: Likely pathogenic (1); Uncertain significance (3). Last evaluated 2026-02-09.

Conditions:
PEX7-related disorder. Also called: PEX7-related disorders; PEX7-related condition. Identifiers: MedGen CN239409.
Peroxisome biogenesis disorder 9B. Also called: PEX7-Related Refsum Disease; PEROXISOME BIOGENESIS DISORDER, PEX7-RELATED, ATYPICAL; Refsum disease, adult, 2. Identifiers: Orphanet 773, MedGen C2749346, MONDO:0013945, OMIM 614879.

Allele frequency attached by ClinVar (database versions not stated): TOPMed 0.00002.
gnomAD v4.1: 7 of 1,610,936 alleles (0.00043%); highest among the groups gnomAD compares: Admixed American, 0.0067%; no homozygotes.

Submissions (4):

Women's Health and Genetics/Laboratory Corporation of America, LabCorp
Classification: Uncertain significance. Last evaluated: 2026-02-09. Review status: criteria provided, single submitter. Criteria: LabCorp Variant Classification Summary - May 2015. Collection method: clinical testing. Allele origin: germline.
Comment: Variant summary: PEX7 c.911A>T (p.Asp304Val) results in a non-conservative amino acid change in the encoded protein sequence. Algorithms developed to predict the effect of missense changes on protein structure and function all suggest that this variant is likely to be disruptive. The variant allele was found at a frequency of 1.6e-05 in 251206 control chromosomes. The available data on variant occurrences in the general population are insufficient to allow any conclusion about variant significance. To our knowledge, no occurrence of c.911A>T in individuals affected with PEX7-related conditions and no experimental evidence demonstrating its impact on protein function have been reported. ClinVar contains an entry for this variant (Variation ID: 2197739). Based on the evidence outlined above, the variant was classified as uncertain significance.

PreventionGenetics, part of Exact Sciences
Classification: Uncertain significance for PEX7-related condition. Last evaluated: 2025-05-28. Review status: criteria provided, single submitter. Criteria: ACMG Guidelines, 2015. Collection method: clinical testing. Allele origin: germline.
Comment: The PEX7 c.911A>T variant is predicted to result in the amino acid substitution p.Asp304Val. To our knowledge, this variant has not been reported in the literature. This variant is reported in 0.012% of alleles in individuals of Latino descent in gnomAD. At this time, the clinical significance of this variant is uncertain due to the absence of conclusive functional and genetic evidence.

GeneDx
Classification: Likely pathogenic. Last evaluated: 2024-05-30. Review status: criteria provided, single submitter. Criteria: GeneDx Variant Classification Process June 2021. Collection method: clinical testing. Allele origin: germline. Affected: yes.
Comment: Has not been previously published as pathogenic or benign to our knowledge; In silico analysis supports that this missense variant has a deleterious effect on protein structure/function; Not observed at significant frequency in large population cohorts (gnomAD)

Labcorp Genetics (formerly Invitae), Labcorp
Classification: Uncertain significance for Peroxisome biogenesis disorder 9B. Last evaluated: 2022-07-02. Review status: criteria provided, single submitter. Criteria: Invitae Variant Classification Sherloc (09022015). Collection method: clinical testing. Allele origin: germline.
Comment: This sequence change replaces aspartic acid, which is acidic and polar, with valine, which is neutral and non-polar, at codon 304 of the PEX7 protein (p.Asp304Val). This variant is present in population databases (no rsID available, gnomAD 0.01%). This variant has not been reported in the literature in individuals affected with PEX7-related conditions. Algorithms developed to predict the effect of missense changes on protein structure and function are either unavailable or do not agree on the potential impact of this missense change (SIFT: "Deleterious"; PolyPhen-2: "Possibly Damaging"; Align-GVGD: "Class C0"). In summary, the available evidence is currently insufficient to determine the role of this variant in disease. Therefore, it has been classified as a Variant of Uncertain Significance.